The following is an entry in ClinVar:

NM_000245.4(MET):c.1923A>G (p.Ser641=)

Gene: MET (MET proto-oncogene, receptor tyrosine kinase; plus strand). Cytogenetic location: 7q31.2.
Variant type: single nucleotide variant.
Coding change: c.1923A>G on transcript NM_000245.4 (MANE Select); coding-DNA position 1923, A replaced by G.
Protein change: p.Ser641=; no amino-acid change (serine 641 retained).
Molecular consequence: synonymous variant.
Genome position (GRCh38, 1-based): chr7:116,757,497, A>G. VCF-style: chr7-116757497-A-G. GRCh37 (hg19) VCF-style: chr7-116397551-A-G.
Other names: c.1923A>G, p.Ser641= (NM_001127500.3, NM_001324401.3); c.633A>G, p.Ser211= (NM_001324402.2).
Identifiers: ClinVar variation 1782719 (VCV001782719.6), dbSNP rs2116920605, ClinGen allele CA457216420.

ClinVar aggregate classification (germline): Benign/Likely benign. Review status: criteria provided, multiple submitters, no conflicts (2 of 4 stars). 3 submissions from 3 submitters: Benign (1); Likely benign (2). Last evaluated 2024-11-08.

Conditions:
Hereditary cancer-predisposing syndrome. Also called: Neoplastic Syndromes, Hereditary; Tumor predisposition; Hereditary Cancer Syndrome; Hereditary neoplastic syndrome. Identifiers: Orphanet 140162, MedGen C0027672, MeSH D009386, MONDO:0015356.
Renal cell carcinoma. Identifiers: Orphanet 217071, MedGen C0007134, MeSH D002292, MONDO:0005086, HP:0005584.
Papillary renal cell carcinoma type 1 (RCCP1). Also called: RENAL CELL CARCINOMA, PAPILLARY, 1, SOMATIC; Renal adenocarcinoma; Renal cell carcinoma 1; Renal cell carcinoma, somatic. Identifiers: Orphanet 47044, MedGen C1336839, OMIM 605074, HP:0011797.

Submissions (3):

Myriad Genetics, Inc.
Classification: Benign for Papillary renal cell carcinoma type 1. Last evaluated: 2024-11-08. Review status: criteria provided, single submitter. Criteria: Myriad Autosomal Dominant, Autosomal Recessive and X-Linked Classification Criteria (2023). Collection method: clinical testing. Allele origin: unknown.
Comment: This variant is considered benign. This variant is a silent/synonymous amino acid change and it is not expected to impact splicing.

Labcorp Genetics (formerly Invitae), Labcorp
Classification: Likely benign for Renal cell carcinoma. Last evaluated: 2023-09-15. Review status: criteria provided, single submitter. Criteria: Invitae Variant Classification Sherloc (09022015). Collection method: clinical testing. Allele origin: germline.

Ambry Genetics
Classification: Likely benign for Hereditary cancer-predisposing syndrome. Last evaluated: 2021-11-18. Review status: criteria provided, single submitter. Criteria: Ambry Variant Classification Scheme 2023. Collection method: clinical testing. Allele origin: germline.